The following is an entry in ClinVar:

NM_017763.6(RNF43):c.522G>C (p.Glu174Asp)

Gene: RNF43 (ring finger protein 43; minus strand). Cytogenetic location: 17q22.
Variant type: single nucleotide variant.
Coding change: c.522G>C on transcript NM_017763.6 (MANE Select); coding-DNA position 522, G replaced by C.
Protein change: p.Glu174Asp; replaces glutamic acid 174 with aspartic acid.
Molecular consequence: missense variant.
Genome position (GRCh38, 1-based): chr17:58,363,335, C>G on the plus strand (G>C on the coding strand, the complement: RNF43 is on the minus strand). VCF-style: chr17-58363335-C-G. GRCh37 (hg19) VCF-style: chr17-56440696-C-G.
Other names: c.522G>C, p.Glu174Asp (NM_001305544.3, NM_001438820.1, NM_001438821.1 and 1 more transcripts); c.141G>C, p.Glu47Asp (NM_001305545.2, NM_001437987.1); short protein forms E47D, E174D.
Identifiers: ClinVar variation 5028338 (VCV005028338.1).
Genomic context (GRCh38, chr17:58,363,335, plus strand): 5'-CCAGGCCGGGGGCTCCTTCAGCTCAATCCTCACATGGGCCTTTTGGTTCTTGTACACAAA[C>G]TCCATCAGCTTCTCAGCGTCATTACCCCAGATCAACACCACTGGCCAGGTCAGCCCCAGC-3'
Protein context (NP_060233.3, residues 164-184): IWGNDAEKLM[Glu174Asp]FVYKNQKAHV

ClinVar aggregate classification (germline): Uncertain significance (1 of 4 stars; one submission).

Submission:

Ambry Genetics
Classification: Uncertain significance. Last evaluated: 2026-07-22. Review status: criteria provided, single submitter. Criteria: Ambry Variant Classification Scheme 2023. Collection method: clinical testing. Allele origin: germline.
Comment: The p.E174D variant (also known as c.522G>C), located in coding exon 4 of the RNF43 gene, results from a G to C substitution at nucleotide position 522. The glutamic acid at codon 174 is replaced by aspartic acid, an amino acid with highly similar properties. This amino acid position is conserved. In addition, this alteration is predicted to be tolerated by in silico analysis. Based on the available evidence, the clinical significance of this variant remains unclear.